The following is an entry in ClinVar:

ClinVar aggregate classification (germline): Uncertain significance (1 of 4 stars; one submission).

Conditions:
Peroxisome biogenesis disorder. Identifiers: Orphanet 79189, MedGen C1832200, MONDO:0019234. Disease mechanism: loss of function.

Allele frequency attached by ClinVar (database versions not stated): gnomAD exomes below 0.00001.

Submission:

Labcorp Genetics (formerly Invitae), Labcorp
Classification: Uncertain significance for Peroxisome biogenesis disorder. Last evaluated: 2022-07-04. Review status: criteria provided, single submitter. Criteria: Invitae Variant Classification Sherloc (09022015). Collection method: clinical testing. Allele origin: germline.
Comment: This sequence change replaces serine, which is neutral and polar, with proline, which is neutral and non-polar, at codon 597 of the PEX6 protein (p.Ser597Pro). This variant is not present in population databases (gnomAD no frequency). This variant has not been reported in the literature in individuals affected with PEX6-related conditions. Algorithms developed to predict the effect of missense changes on protein structure and function are either unavailable or do not agree on the potential impact of this missense change (SIFT: "Deleterious"; PolyPhen-2: "Benign"; Align-GVGD: "Class C0"). In summary, the available evidence is currently insufficient to determine the role of this variant in disease. Therefore, it has been classified as a Variant of Uncertain Significance.

NM_000287.4(PEX6):c.1789T>C (p.Ser597Pro)

Gene: PEX6 (peroxisomal biogenesis factor 6; minus strand). Cytogenetic location: 6p21.1.
Variant type: single nucleotide variant.
Coding change: c.1789T>C on transcript NM_000287.4 (MANE Select); coding-DNA position 1789, T replaced by C.
Protein change: p.Ser597Pro; replaces serine 597 with proline.
Molecular consequence: missense variant. On other transcripts: non-coding transcript variant (1).
Genome position (GRCh38, 1-based): chr6:42,967,463, A>G on the plus strand (T>C on the coding strand, the complement: PEX6 is on the minus strand). VCF-style: chr6-42967463-A-G. GRCh37 (hg19) VCF-style: chr6-42935201-A-G.
Other names: c.1525T>C, p.Ser509Pro (NM_001316313.2); short protein forms S597P, S509P.
Identifiers: ClinVar variation 2163010 (VCV002163010.1), dbSNP rs2481217584, ClinGen allele CA364153619.
Genomic context (GRCh38, chr6:42,967,463, plus strand): 5'-CCTGGCCCAGGGGAAGGTGGGCAGTGAGGGCCCGCAGGATGCTGAGCCGCTGCCCCTCTG[A>G]CAGAGCAGGCACCTCGAGCTCATGAGGAAATGCTGTCTGCACATCAGCAGGCAGGTCCTG-3'
Protein context (NP_000278.3, residues 587-607): FPHELEVPAL[Ser597Pro]EGQRLSILRA